The following is an entry in ClinVar:

ClinVar aggregate classification (germline): Conflicting classifications of pathogenicity. Review status: criteria provided, conflicting classifications (1 of 4 stars). 2 submissions from 2 submitters: Likely pathogenic (1); Likely benign (1). Last evaluated 2026-07-20.

Conditions:
Cardiovascular phenotype. Identifiers: MedGen CN230736.
Hereditary cancer-predisposing syndrome. Also called: Hereditary Cancer Syndrome; Hereditary neoplastic syndrome; Neoplastic Syndromes, Hereditary; Tumor predisposition. Identifiers: Orphanet 140162, MedGen C0027672, MeSH D009386, MONDO:0015356.

Submissions (2):

Ambry Genetics
Classification: Likely pathogenic for Cardiovascular phenotype; Hereditary cancer-predisposing syndrome. Last evaluated: 2026-07-20. Review status: criteria provided, single submitter. Criteria: Ambry Variant Classification Scheme 2023. Collection method: clinical testing. Allele origin: germline.
Comment: The c.372C>A variant (also known as p.V124V), located in coding exon 4 of the LZTR1 gene, results from a C to A substitution at nucleotide position 372. This nucleotide substitution does not change the valine at codon 124. This variant is considered to be rare based on population cohorts in the Genome Aggregation Database (gnomAD). This nucleotide position is poorly conserved in available vertebrate species. In silico splice site analysis for this alteration is inconclusive. RNA studies have demonstrated that this variant results in abnormal splicing in the set of samples tested (Ambry internal data). Loss-of-function variants in LZTR1 are related to an increased risk for schwannomas and autosomal recessive Noonan syndrome; however, such associations with autosomal dominant Noonan syndrome have not been observed (Piotrowski A et al. Nat Genet. 2014 Feb;46:182-7; Yamamoto GL et al. J Med Genet. 2015 Jun;52:413-21; Johnston JJ et al. Genet Med. 2018 10;20:1175-1185). Based on the supporting evidence, this variant is likely pathogenic for an increased risk of LZTR1-related schwannomatosis (SWN) and would be expected to cause autosomal recessive Noonan syndrome when present along with a second pathogenic or likely pathogenic variant on the other allele; however, the association of this variant with autosomal dominant Noonan syndrome is unlikely.

Labcorp Genetics (formerly Invitae), Labcorp
Classification: Likely benign. Last evaluated: 2025-02-11. Review status: criteria provided, single submitter. Criteria: Invitae Variant Classification Sherloc (09022015). Collection method: clinical testing. Allele origin: germline.

NM_006767.4(LZTR1):c.372C>A (p.Val124=)

Gene: LZTR1 (leucine zipper like post translational regulator 1; plus strand). Cytogenetic location: 22q11.21.
Variant type: single nucleotide variant.
Coding change: c.372C>A on transcript NM_006767.4 (MANE Select); coding-DNA position 372, C replaced by A.
Protein change: p.Val124=; no amino-acid change (valine 124 retained).
Molecular consequence: synonymous variant.
Genome position (GRCh38, 1-based): chr22:20,987,555, C>A. VCF-style: chr22-20987555-C-A. GRCh37 (hg19) VCF-style: chr22-21341844-C-A.
Other names: c.372C>A (NM_006767.3).
Identifiers: ClinVar variation 4753233 (VCV004753233.2).
Genomic context (GRCh38, chr22:20,987,555, plus strand): 5'-CCACCCCAGGGCCTTTACCACTGGGACCCCACCGGCCCCCCGTTACCACCACTCGGCCGT[C>A]GTCTATGGGAGCAGCATGTTTGTCTTTGGTAAGCAGCCTCTTGCCTCCCAGGGGCTGTGT-3'
Protein context (NP_006758.2, residues 114-134): PPAPRYHHSA[Val124=]VYGSSMFVFG